The following is an entry in ClinVar:

NM_001378120.1(MBD5):c.2453C>T (p.Thr818Met)

Gene: MBD5 (methyl-CpG binding domain protein 5; plus strand). Cytogenetic location: 2q23.1.
Variant type: single nucleotide variant.
Coding change: c.2453C>T on transcript NM_001378120.1 (MANE Select); coding-DNA position 2453, C replaced by T.
Protein change: p.Thr818Met; replaces threonine 818 with methionine.
Molecular consequence: missense variant.
Genome position (GRCh38, 1-based): chr2:148,470,396, C>T. VCF-style: chr2-148470396-C-T. GRCh37 (hg19) VCF-style: chr2-149227965-C-T.
Other names: c.2453C>T, p.Thr818Met (NM_018328.5); short protein forms T818M.
Identifiers: ClinVar variation 2062065 (VCV002062065.4), dbSNP rs1413186409, ClinGen allele CA348721896.
Genomic context (GRCh38, chr2:148,470,396, plus strand): 5'-AGTCGGGCATGGCTTTAGGAAATTCCTTACATCCCAATCCACCTCAGTCAAGAATTTCAA[C>T]GTCCTCCACTCCAGTGATACCAAACAGCATTGTTAGCAGCTATAATCAAACAAGTTCTGA-3'
Protein context (NP_001365049.1, residues 808-828): HPNPPQSRIS[Thr818Met]SSTPVIPNSI

ClinVar aggregate classification (germline): Uncertain significance (1 of 4 stars; one submission).

Conditions:
Intellectual developmental disorder, autosomal dominant 1. Also called: Intellectual disability, autosomal dominant 1; MBD5 Haploinsufficiency. Identifiers: Orphanet 228402, MedGen C1969562, MONDO:0007974, OMIM 156200.

Allele frequency attached by ClinVar (database versions not stated): gnomAD 0.00001; TOPMed 0.00002.
gnomAD v4.1: 12 of 1,613,118 alleles (0.00074%); highest among the groups gnomAD compares: Admixed American, 0.0017%; no homozygotes.

Submission:

Labcorp Genetics (formerly Invitae), Labcorp
Classification: Uncertain significance for Intellectual developmental disorder, autosomal dominant 1. Last evaluated: 2022-05-20. Review status: criteria provided, single submitter. Criteria: Invitae Variant Classification Sherloc (09022015). Collection method: clinical testing. Allele origin: germline.
Comment: In summary, the available evidence is currently insufficient to determine the role of this variant in disease. Therefore, it has been classified as a Variant of Uncertain Significance. Algorithms developed to predict the effect of missense changes on protein structure and function are either unavailable or do not agree on the potential impact of this missense change (SIFT: "Deleterious"; PolyPhen-2: "Possibly Damaging"; Align-GVGD: "Class C15"). This variant has not been reported in the literature in individuals affected with MBD5-related conditions. This variant is present in population databases (no rsID available, gnomAD 0.02%). This sequence change replaces threonine, which is neutral and polar, with methionine, which is neutral and non-polar, at codon 818 of the MBD5 protein (p.Thr818Met).